The following is an entry in ClinVar:

ClinVar aggregate classification (germline): Uncertain significance. Review status: criteria provided, multiple submitters, no conflicts (2 of 4 stars). 3 submissions from 3 submitters: Uncertain significance (3). Last evaluated 2025-12-18.

Conditions:
Hereditary cancer-predisposing syndrome. Also called: Tumor predisposition; Neoplastic Syndromes, Hereditary; Hereditary neoplastic syndrome; Hereditary Cancer Syndrome. Identifiers: Orphanet 140162, MedGen C0027672, MeSH D009386, MONDO:0015356.

gnomAD v4.1: 1 of 1,610,912 alleles (0.000062%); highest among the groups gnomAD compares: Non-Finnish European, 0.000085%; no homozygotes.

Submissions (3):

Labcorp Genetics (formerly Invitae), Labcorp
Classification: Uncertain significance. Last evaluated: 2025-12-18. Review status: criteria provided, single submitter. Criteria: Invitae Variant Classification Sherloc (09022015). Collection method: clinical testing. Allele origin: germline.
Comment: This sequence change replaces arginine, which is basic and polar, with histidine, which is basic and polar, at codon 215 of the HOXB13 protein (p.Arg215His). This variant is not present in population databases (gnomAD no frequency). This variant has not been reported in the literature in individuals affected with HOXB13-related conditions. ClinVar contains an entry for this variant (Variation ID: 1018707). Invitae Evidence Modeling of protein sequence and biophysical properties (such as structural, functional, and spatial information, amino acid conservation, physicochemical variation, residue mobility, and thermodynamic stability) has been performed for this missense variant. However, the output from this modeling did not meet the statistical confidence thresholds required to predict the impact of this variant on HOXB13 protein function. In summary, the available evidence is currently insufficient to determine the role of this variant in disease. Therefore, it has been classified as a Variant of Uncertain Significance.

Ambry Genetics
Classification: Uncertain significance for Hereditary cancer-predisposing syndrome. Last evaluated: 2025-05-08. Review status: criteria provided, single submitter. Criteria: Ambry Variant Classification Scheme 2023. Collection method: clinical testing. Allele origin: germline.
Comment: The p.R215H variant (also known as c.644G>A), located in coding exon 2 of the HOXB13 gene, results from a G to A substitution at nucleotide position 644. The arginine at codon 215 is replaced by histidine, an amino acid with highly similar properties. This amino acid position is conserved. In addition, this alteration is predicted to be deleterious by in silico analysis. Since supporting evidence is limited at this time, the clinical significance of this alteration remains unclear.

GeneDx
Classification: Uncertain significance. Last evaluated: 2024-02-25. Review status: criteria provided, single submitter. Criteria: GeneDx Variant Classification Process June 2021. Collection method: clinical testing. Allele origin: germline. Affected: yes.
Comment: Not observed at significant frequency in large population cohorts (gnomAD); In silico analysis supports that this missense variant has a deleterious effect on protein structure/function; Has not been previously published as pathogenic or benign to our knowledge; This variant is associated with the following publications: (PMID: 19389631)

NM_006361.6(HOXB13):c.644G>A (p.Arg215His)

Gene: HOXB13 (homeobox B13; minus strand). Cytogenetic location: 17q21.32.
Variant type: single nucleotide variant.
Coding change: c.644G>A on transcript NM_006361.6 (MANE Select); coding-DNA position 644, G replaced by A.
Protein change: p.Arg215His; replaces arginine 215 with histidine.
Molecular consequence: missense variant.
Genome position (GRCh38, 1-based): chr17:48,727,001, C>T on the plus strand (G>A on the coding strand, the complement: HOXB13 is on the minus strand). VCF-style: chr17-48727001-C-T. GRCh37 (hg19) VCF-style: chr17-46804363-C-T.
Other names: short protein forms R215H.
Identifiers: ClinVar variation 1018707 (VCV001018707.13), dbSNP rs1203218334, ClinGen allele CA400106901.
Genomic context (GRCh38, chr17:48,727,001, plus strand): 5'-TACTCCCGCTCCAGCTCCCGCAACTGCCCCTTGCTGTACGGAATGCGTTTCTTGCGGCCG[C>T]GACGAAAGGCGCAGGCGTCAGGAGGGTGCTGCCCGCTGGAGTCTGCGCGGCGTGAAAGGG-3'
Protein context (NP_006352.2, residues 205-225): QHPPDACAFR[Arg215His]GRKKRIPYSK